The following is an entry in ClinVar:

NM_000194.3(HPRT1):c.184A>G (p.Ile62Val)

Gene: HPRT1 (hypoxanthine phosphoribosyltransferase 1; plus strand). Cytogenetic location: Xq26.2.
Variant type: single nucleotide variant.
Coding change: c.184A>G on transcript NM_000194.3 (MANE Select); coding-DNA position 184, A replaced by G.
Protein change: p.Ile62Val; replaces isoleucine 62 with valine.
Molecular consequence: missense variant.
Genome position (GRCh38, 1-based): chrX:134,475,230, A>G. VCF-style: chrX-134475230-A-G. GRCh37 (hg19) VCF-style: chrX-133609260-A-G.
Other names: short protein forms I62V.
Identifiers: ClinVar variation 1715371 (VCV001715371.6), dbSNP rs1602741112, ClinGen allele CA414712031.

ClinVar aggregate classification (germline): Uncertain significance (1 of 4 stars; one submission).

Conditions:
Partial hypoxanthine-guanine phosphoribosyltransferase deficiency. Also called: HPRT1 DEFICIENCY, PARTIAL; Kelley-Seegmiller Syndrome; GOUT, HPRT-RELATED; HPRT DEFICIENCY, PARTIAL; HYPOXANTHINE GUANINE PHOSPHORIBOSYLTRANSFERASE 1 DEFICIENCY, PARTIAL. Identifiers: Orphanet 79233, MedGen C0268117, MONDO:0010299, OMIM 300323.
Lesch-Nyhan syndrome (LNS). Also called: HPRT DEFICIENCY, COMPLETE; Lesch-Nyhan Disease (LND). Identifiers: Orphanet 510, MedGen C0023374, MONDO:0010298, OMIM 300322.

Allele frequency attached by ClinVar (database versions not stated): gnomAD exomes below 0.00001.
gnomAD v4.1: 1 of 1,202,341 alleles (0.000083%); highest among the groups gnomAD compares: Non-Finnish European, 0.00011%; no homozygotes.

Submission:

Labcorp Genetics (formerly Invitae), Labcorp
Classification: Uncertain significance for Lesch-Nyhan syndrome; Partial hypoxanthine-guanine phosphoribosyltransferase deficiency. Last evaluated: 2022-08-12. Review status: criteria provided, single submitter. Criteria: Invitae Variant Classification Sherloc (09022015). Collection method: clinical testing. Allele origin: germline.
Comment: Algorithms developed to predict the effect of missense changes on protein structure and function (SIFT, PolyPhen-2, Align-GVGD) all suggest that this variant is likely to be tolerated. This variant has not been reported in the literature in individuals affected with HPRT1-related conditions. This variant is not present in population databases (gnomAD no frequency). This sequence change replaces isoleucine, which is neutral and non-polar, with valine, which is neutral and non-polar, at codon 62 of the HPRT1 protein (p.Ile62Val). In summary, the available evidence is currently insufficient to determine the role of this variant in disease. Therefore, it has been classified as a Variant of Uncertain Significance.